The following is an entry in ClinVar:

NM_000996.4(RPL35A):c.308T>C (p.Val103Ala)

Genes: DRC9 (dynein regulatory complex subunit 9; minus strand), RPL35A (ribosomal protein L35a; plus strand). Cytogenetic location: 3q29.
Variant type: single nucleotide variant.
Coding change: c.308T>C on transcript NM_000996.4 (MANE Select); coding-DNA position 308, T replaced by C.
Protein change: p.Val103Ala; replaces valine 103 with alanine.
Molecular consequence: missense variant. On other transcripts: intron variant (3).
Genome position (GRCh38, 1-based): chr3:197,954,146, T>C. VCF-style: chr3-197954146-T-C. GRCh37 (hg19) VCF-style: chr3-197681017-T-C.
Other names: c.308T>C, p.Val103Ala (NM_001316311.2); c.-50+5383A>G (NM_001323028.2); c.-60+5383A>G (NM_032263.5); c.-375+5383A>G (NM_001323029.2); short protein forms V103A.
Identifiers: ClinVar variation 1727450 (VCV001727450.2), dbSNP rs2530431796, ClinGen allele CA355884961.

ClinVar aggregate classification (germline): Uncertain significance (1 of 4 stars; one submission).

Conditions:
Diamond-Blackfan anemia. Also called: Blackfan Diamond syndrome; Aregenerative anemia chronic congenital; Red cell aplasia, pure hereditary; Congenital hypoplastic anemia; Aase syndrome. Identifiers: Orphanet 124, MedGen C1260899, MeSH D029503, MONDO:0015253, HP:0004810.

Submission:

Ambry Genetics
Classification: Uncertain significance for Diamond-Blackfan anemia. Last evaluated: 2016-12-21. Review status: criteria provided, single submitter. Criteria: Ambry Variant Classification Scheme 2023. Collection method: clinical testing. Allele origin: germline.
Comment: The p.V103A variant (also known as c.308T>C), located in coding exon 3 of the RPL35A gene, results from a T to C substitution at nucleotide position 308. The valine at codon 103 is replaced by alanine, an amino acid with similar properties. This amino acid position is highly conserved in available vertebrate species. In addition, this alteration is predicted to be deleterious by in silico analysis. Since supporting evidence is limited at this time, the clinical significance of this alteration remains unclear.